The following is an entry in ClinVar:

ClinVar aggregate classification (germline): Uncertain significance (1 of 4 stars; one submission).

Conditions:
Autosomal dominant hypocalcemia 1 (HYPOC1). Also called: HYPOCALCEMIA, FAMILIAL. Identifiers: MedGen C3715128, MONDO:0011013, OMIM 601198.
Familial hypocalciuric hypercalcemia (FHH). Also called: Familial benign hypercalcemia. Identifiers: Orphanet 405, MedGen C1809471, MONDO:0018458.

Submission:

Labcorp Genetics (formerly Invitae), Labcorp
Classification: Uncertain significance for Familial hypocalciuric hypercalcemia; Autosomal dominant hypocalcemia 1. Last evaluated: 2024-10-26. Review status: criteria provided, single submitter. Criteria: Invitae Variant Classification Sherloc (09022015). Collection method: clinical testing. Allele origin: germline.
Comment: This sequence change replaces glutamine, which is neutral and polar, with glutamic acid, which is acidic and polar, at codon 930 of the CASR protein (p.Gln930Glu). This variant is not present in population databases (gnomAD no frequency). This variant has not been reported in the literature in individuals affected with CASR-related conditions. ClinVar contains an entry for this variant (Variation ID: 1005845). An algorithm developed to predict the effect of missense changes on protein structure and function outputs the following: PolyPhen-2: "Benign". The glutamic acid amino acid residue is found in multiple mammalian species, which suggests that this missense change does not adversely affect protein function. In summary, the available evidence is currently insufficient to determine the role of this variant in disease. Therefore, it has been classified as a Variant of Uncertain Significance.

NM_000388.4(CASR):c.2788C>G (p.Gln930Glu)

Gene: CASR (calcium sensing receptor; plus strand). Cytogenetic location: 3q21.1.
Variant type: single nucleotide variant.
Coding change: c.2788C>G on transcript NM_000388.4 (MANE Select); coding-DNA position 2788, C replaced by G.
Protein change: p.Gln930Glu; replaces glutamine 930 with glutamic acid.
Molecular consequence: missense variant.
Genome position (GRCh38, 1-based): chr3:122,284,742, C>G. VCF-style: chr3-122284742-C-G. GRCh37 (hg19) VCF-style: chr3-122003589-C-G.
Other names: c.2818C>G, p.Gln940Glu (NM_001178065.2); short protein forms Q930E, Q940E.
Identifiers: ClinVar variation 1005845 (VCV001005845.9), dbSNP rs2074945839, ClinGen allele CA354160769.
Genomic context (GRCh38, chr3:122,284,742, plus strand): 5'-CCCTCCTCCTCCATCAGCAGCAAGAGCAACAGCGAAGACCCATTCCCACAGCCCGAGAGG[C>G]AGAAGCAGCAGCAGCCGCTGGCCCTAACCCAGCAAGAGCAGCAGCAGCAGCCCCTGACCC-3'
Protein context (NP_000379.3, residues 920-940): SEDPFPQPER[Gln930Glu]KQQQPLALTQ